The following is an entry in ClinVar:

NM_001267550.2(TTN):c.9713C>T (p.Pro3238Leu)

Gene: TTN (titin; minus strand). Cytogenetic location: 2q31.2.
Variant type: single nucleotide variant.
Coding change: c.9713C>T on transcript NM_001267550.2 (MANE Select); coding-DNA position 9713, C replaced by T.
Protein change: p.Pro3238Leu; replaces proline 3238 with leucine.
Molecular consequence: missense variant.
Genome position (GRCh38, 1-based): chr2:178,764,802, G>A on the plus strand (C>T on the coding strand, the complement: TTN is on the minus strand). VCF-style: chr2-178764802-G-A. GRCh37 (hg19) VCF-style: chr2-179629529-G-A.
Other names: c.9713C>T, p.Pro3238Leu (NM_133378.4, NM_001256850.1, NM_133379.5); c.9575C>T, p.Pro3192Leu (NM_003319.4, NM_133432.3, NM_133437.4); short protein forms P3238L, P3192L.
Identifiers: ClinVar variation 47679 (VCV000047679.33), dbSNP rs397517792, ClinGen allele CA141697.

ClinVar aggregate classification (germline): Conflicting classifications of pathogenicity. Review status: criteria provided, conflicting classifications (1 of 4 stars). 7 submissions from 7 submitters: Uncertain significance (6); Likely benign (1). Last evaluated 2025-06-26.

Conditions:
TTN-related disorder. Also called: TTN-related condition; TTN-related disease; TTN-related disorders.
Dilated cardiomyopathy 1G (CMD1G). Identifiers: Orphanet 154, MedGen C1858763, MONDO:0011400, OMIM 604145.
Autosomal recessive limb-girdle muscular dystrophy type 2J (LGMDR10). Also called: Limb-girdle muscular dystrophy, type 2J; MUSCULAR DYSTROPHY, LIMB-GIRDLE, AUTOSOMAL RECESSIVE 10. Identifiers: Orphanet 140922, MedGen C1837342, MONDO:0012127, OMIM 608807.
Myopathy, myofibrillar, 9, with early respiratory failure (MFM9). Also called: Hereditary myopathy with early respiratory failure; Myopathy, distal, with early respiratory failure, autosomal dominant; EDSTROM MYOPATHY; MYOPATHY, PROXIMAL, WITH EARLY RESPIRATORY MUSCLE INVOLVEMENT. Identifiers: Orphanet 178464, Orphanet 34521, MedGen C1863599, MONDO:0011362, OMIM 603689.
Tibial muscular dystrophy (TMD). Also called: Udd Distal Myopathy – Tibial Muscular Dystrophy; Tibial muscular dystrophy, tardive; UDD MYOPATHY. Identifiers: Orphanet 609, MedGen C1838244, MONDO:0010870, OMIM 600334.
Early-onset myopathy with fatal cardiomyopathy (CMYO5). Also called: Salih Myopathy; CONGENITAL MYOPATHY 5 WITH CARDIOMYOPATHY. Identifiers: Orphanet 289377, MedGen C2673677, MONDO:0012714, OMIM 611705. Disease mechanism: loss of function.
Hypertrophic cardiomyopathy 9. Also called: Familial hypertrophic cardiomyopathy 9. Identifiers: MedGen C1861065, MONDO:0013412, OMIM 613765.

Allele frequency attached by ClinVar (database versions not stated): ExAC 0.00001; gnomAD exomes 0.00001 and 0.00002; gnomAD 0.00002 and 0.00003; TOPMed 0.00004.
gnomAD v4.1: 39 of 1,612,966 alleles (0.0024%); highest among the groups gnomAD compares: African/African-American, 0.004%; no homozygotes.

Submissions (7):

PreventionGenetics, part of Exact Sciences
Classification: Uncertain significance for TTN-related condition. Last evaluated: 2025-06-26. Review status: criteria provided, single submitter. Criteria: ACMG Guidelines, 2015. Collection method: clinical testing. Allele origin: germline.
Comment: The TTN c.9713C>T variant is predicted to result in the amino acid substitution p.Pro3238Leu. This variant was reported in a study of individuals with primary fibrotic atrial cardiomyopathy, although no additional evidence was provided that could help establish pathogenicity (Table S1, Zhu et al. 2022. PubMed ID: 35063694). This variant is reported in 0.010% of alleles in individuals of Ashkenazi Jewish descent in gnomAD. At this time, the clinical significance of this variant is uncertain due to the absence of conclusive functional and genetic evidence.

CeGaT Center for Human Genetics Tuebingen
Classification: Uncertain significance. Last evaluated: 2024-06-01. Review status: criteria provided, single submitter. Criteria: CeGaT Center For Human Genetics Tuebingen Variant Classification Criteria Version 2. Collection method: clinical testing. Allele origin: germline. Affected: yes. Observed: 1 variant allele.
Comment: TTN: PM2:Supporting

Blueprint Genetics
Classification: Likely benign. Last evaluated: 2024-01-09. Review status: criteria provided, single submitter. Criteria: ACMG Guidelines, 2015. Collection method: clinical testing. Allele origin: germline.

Fulgent Genetics
Classification: Uncertain significance for Tibial muscular dystrophy; Myopathy, myofibrillar, 9, with early respiratory failure; Dilated cardiomyopathy 1G; Autosomal recessive limb-girdle muscular dystrophy type 2J; Early-onset myopathy with fatal cardiomyopathy; Hypertrophic cardiomyopathy 9. Last evaluated: 2021-10-08. Review status: criteria provided, single submitter. Criteria: ACMG Guidelines, 2015. Collection method: clinical testing. Allele origin: unknown.

Labcorp Genetics (formerly Invitae), Labcorp
Classification: Uncertain significance for Dilated cardiomyopathy 1G; Autosomal recessive limb-girdle muscular dystrophy type 2J. Last evaluated: 2017-02-24. Review status: criteria provided, single submitter. Criteria: Invitae Variant Classification Sherloc (09022015). Collection method: clinical testing. Allele origin: germline.

Genetic Services Laboratory, University of Chicago
Classification: Uncertain significance. Last evaluated: 2015-07-17. Review status: criteria provided, single submitter. Criteria: ACMG Guidelines, 2015. Collection method: clinical testing. Allele origin: germline.

Laboratory for Molecular Medicine, Mass General Brigham Personalized Medicine
Classification: Uncertain significance. Last evaluated: 2012-06-06. Review status: criteria provided, single submitter. Criteria: LMM Criteria. Collection method: clinical testing. Allele origin: germline. Observed: 1 variant allele.
Comment: The Pro3238Leu variant in TTN has not been reported in the literature nor previo usly identified by our laboratory. This variant has not been identified in 2 ver y large and broad populations (European and African American) screened by the NH LBI Exome Sequencing Project. Computational a nalyses (biochemical amino acid properties, conservation, AlignGVGD, PolyPhen2, and SIFT) suggest that the Pro3238Leu variant may impact the protein, though thi s information is not predictive enough to determine pathogenicity. Although the low frequency and computational predictions of this variant are consistent with a possible disease causing role, additional information is needed to fully asses s the clinical significance of the Pro3238Leu variant.